The following is an entry in ClinVar:

ClinVar aggregate classification (germline): Uncertain significance (1 of 4 stars; one submission).

Conditions:
Hereditary cancer-predisposing syndrome. Also called: Neoplastic Syndromes, Hereditary; Tumor predisposition; Hereditary Cancer Syndrome; Hereditary neoplastic syndrome. Identifiers: Orphanet 140162, MedGen C0027672, MeSH D009386, MONDO:0015356.

Submission:

Ambry Genetics
Classification: Uncertain significance for Hereditary cancer-predisposing syndrome. Last evaluated: 2017-12-08. Review status: criteria provided, single submitter. Criteria: Ambry Variant Classification Scheme 2023. Collection method: clinical testing. Allele origin: germline.
Comment: The p.A729S variant (also known as c.2185G>T), located in coding exon 8 of the MET gene, results from a G to T substitution at nucleotide position 2185. The alanine at codon 729 is replaced by serine, an amino acid with similar properties. This amino acid position is highly conserved in available vertebrate species. In addition, the in silico prediction for this alteration is inconclusive. Since supporting evidence is limited at this time, the clinical significance of this alteration remains unclear.

NM_000245.4(MET):c.2185G>T (p.Ala729Ser)

Gene: MET (MET proto-oncogene, receptor tyrosine kinase; plus strand). Cytogenetic location: 7q31.2.
Variant type: single nucleotide variant.
Coding change: c.2185G>T on transcript NM_000245.4 (MANE Select); coding-DNA position 2185, G replaced by T.
Protein change: p.Ala729Ser; replaces alanine 729 with serine.
Molecular consequence: missense variant.
Genome position (GRCh38, 1-based): chr7:116,758,541, G>T. VCF-style: chr7-116758541-G-T. GRCh37 (hg19) VCF-style: chr7-116398595-G-T.
Other names: c.2185G>T, p.Ala729Ser (NM_001127500.3, NM_001324401.3); c.895G>T, p.Ala299Ser (NM_001324402.2); short protein forms A299S, A729S.
Identifiers: ClinVar variation 1787331 (VCV001787331.2), dbSNP rs2116931414, ClinGen allele CA368980657.